The following is an entry in ClinVar:

ClinVar aggregate classification (germline): Conflicting classifications of pathogenicity. Review status: criteria provided, conflicting classifications (1 of 4 stars). 2 submissions from 2 submitters: Uncertain significance (1); Likely benign (1). Last evaluated 2025-02-27.

Conditions:
Inborn genetic diseases. Identifiers: MedGen C0950123, MeSH D030342.

gnomAD v4.1: 1 of 1,613,910 alleles (0.000062%); highest among the groups gnomAD compares: Non-Finnish European, 0.000085%; no homozygotes.

Submissions (2):

Ambry Genetics
Classification: Likely benign for Inborn genetic diseases. Last evaluated: 2025-02-27. Review status: criteria provided, single submitter. Criteria: Ambry Variant Classification Scheme 2023. Collection method: clinical testing. Allele origin: germline.

Labcorp Genetics (formerly Invitae), Labcorp
Classification: Uncertain significance. Last evaluated: 2024-02-17. Review status: criteria provided, single submitter. Criteria: Invitae Variant Classification Sherloc (09022015). Collection method: clinical testing. Allele origin: germline.
Comment: This sequence change replaces aspartic acid, which is acidic and polar, with asparagine, which is neutral and polar, at codon 388 of the RAI1 protein (p.Asp388Asn). This variant is not present in population databases (gnomAD no frequency). This variant has not been reported in the literature in individuals affected with RAI1-related conditions. An algorithm developed to predict the effect of missense changes on protein structure and function (PolyPhen-2) suggests that this variant is likely to be disruptive. In summary, the available evidence is currently insufficient to determine the role of this variant in disease. Therefore, it has been classified as a Variant of Uncertain Significance.

NM_030665.4(RAI1):c.1162G>A (p.Asp388Asn)

Gene: RAI1 (retinoic acid induced 1; plus strand). Cytogenetic location: 17p11.2.
Variant type: single nucleotide variant.
Coding change: c.1162G>A on transcript NM_030665.4 (MANE Select); coding-DNA position 1162, G replaced by A.
Protein change: p.Asp388Asn; replaces aspartic acid 388 with asparagine.
Molecular consequence: missense variant.
Genome position (GRCh38, 1-based): chr17:17,794,110, G>A. VCF-style: chr17-17794110-G-A. GRCh37 (hg19) VCF-style: chr17-17697424-G-A.
Other names: c.1162G>A (NM_030665.3); short protein forms D388N.
Identifiers: ClinVar variation 3702880 (VCV003702880.3).